The following is an entry in ClinVar:

ClinVar aggregate classification (germline): Benign/Likely benign. Review status: criteria provided, multiple submitters, no conflicts (2 of 4 stars). 2 submissions from 2 submitters: Benign (1); Likely benign (1). Last evaluated 2026-08-01.

Allele frequency attached by ClinVar (database versions not stated): 1000 Genomes Project 0.00180; 1000 Genomes Project 30x 0.00203; TOPMed 0.00571; ESP Exome Variant Server 0.00585; gnomAD exomes 0.00638; gnomAD 0.00664 and 0.00689; ExAC 0.00880.
gnomAD v4.1: 10,602 of 1,272,372 alleles (0.83%); highest among the groups gnomAD compares: Non-Finnish European, 1.1%; 68 homozygotes.

Submissions (2):

CeGaT Center for Human Genetics Tuebingen
Classification: Benign. Last evaluated: 2026-08-01. Review status: criteria provided, single submitter. Criteria: CeGaT Center For Human Genetics Tuebingen Variant Classification Criteria Version 2. Collection method: clinical testing. Allele origin: germline. Affected: yes. Observed: 17 variant alleles.
Comment: RYR2: BS1, BS2

GeneDx
Classification: Likely benign. Last evaluated: 2018-06-14. Review status: criteria provided, single submitter. Criteria: GeneDx Variant Classification (06012015). Collection method: clinical testing. Allele origin: germline. Affected: yes.
Comment: This variant is considered likely benign or benign based on one or more of the following criteria: it is a conservative change, it occurs at a poorly conserved position in the protein, it is predicted to be benign by multiple in silico algorithms, and/or has population frequency not consistent with disease.

NM_001035.3(RYR2):c.8715-30G>A

Gene: RYR2 (ryanodine receptor 2; plus strand). Cytogenetic location: 1q43.
Variant type: single nucleotide variant.
Coding change: c.8715-30G>A on transcript NM_001035.3 (MANE Select); 30 bases into the intron before coding-DNA position 8715, G replaced by A.
Molecular consequence: intron variant.
Genome position (GRCh38, 1-based): chr1:237,674,701, G>A. VCF-style: chr1-237674701-G-A. GRCh37 (hg19) VCF-style: chr1-237838001-G-A.
Identifiers: ClinVar variation 674541 (VCV000674541.32), dbSNP rs114806261, ClinGen allele CA087715.